The following is an entry in ClinVar:

NM_000142.5(FGFR3):c.1076-13C>T

Gene: FGFR3 (fibroblast growth factor receptor 3; plus strand). Cytogenetic location: 4p16.3.
Variant type: single nucleotide variant.
Coding change: c.1076-13C>T on transcript NM_000142.5 (MANE Select); 13 bases into the intron before coding-DNA position 1076, C replaced by T.
Molecular consequence: intron variant.
Genome position (GRCh38, 1-based): chr4:1,804,317, C>T. VCF-style: chr4-1804317-C-T. GRCh37 (hg19) VCF-style: chr4-1806044-C-T.
Other names: c.1082-13C>T (NM_001163213.2); c.1076-13C>T (NM_001354809.2, NM_001354810.2); c.931-507C>T (NM_022965.4).
Identifiers: ClinVar variation 255324 (VCV000255324.26), dbSNP rs114754024, ClinGen allele CA2810252.

ClinVar aggregate classification (germline): Benign/Likely benign. Review status: criteria provided, multiple submitters, no conflicts (2 of 4 stars). 10 submissions from 10 submitters: Benign (6); Likely benign (1). 3 of the submissions do not count toward it. Last evaluated 2026-05-11.

Allele frequency attached by ClinVar (database versions not stated): 1000 Genomes Project 0.00459; 1000 Genomes Project 30x 0.00468; TOPMed 0.00620; gnomAD 0.00661 and 0.00694; ESP Exome Variant Server 0.00815.
gnomAD v4.1: 13,536 of 1,594,468 alleles (0.85%); highest among the groups gnomAD compares: South Asian, 1.2%; 85 homozygotes.

Submissions (10):

Women's Health and Genetics/Laboratory Corporation of America, LabCorp
Classification: Benign. Last evaluated: 2026-05-11. Review status: criteria provided, single submitter. Criteria: LabCorp Variant Classification Summary - May 2015. Collection method: clinical testing. Allele origin: germline.

Labcorp Genetics (formerly Invitae), Labcorp
Classification: Benign. Last evaluated: 2026-01-26. Review status: criteria provided, single submitter. Criteria: Invitae Variant Classification Sherloc (09022015). Collection method: clinical testing. Allele origin: germline.

ARUP Laboratories, Molecular Genetics and Genomics, ARUP Laboratories
Classification: Benign. Last evaluated: 2025-04-14. Review status: criteria provided, single submitter. Criteria: ARUP Molecular Germline Variant Investigation Process 2024. Collection method: clinical testing. Allele origin: germline.

Blueprint Genetics
Classification: Likely benign. Last evaluated: 2024-11-22. Review status: criteria provided, single submitter. Criteria: ACMG Guidelines, 2015. Collection method: clinical testing. Allele origin: germline.

GeneDx
Classification: Benign. Last evaluated: 2016-12-29. Review status: criteria provided, single submitter. Criteria: GeneDx Variant Classification (06012015). Collection method: clinical testing. Allele origin: germline. Affected: yes.
Comment: This variant is considered likely benign or benign based on one or more of the following criteria: it is a conservative change, it occurs at a poorly conserved position in the protein, it is predicted to be benign by multiple in silico algorithms, and/or has population frequency not consistent with disease.

Breakthrough Genomics
Classification: Benign. Review status: criteria provided, single submitter. Criteria: ACMG Guidelines, 2015. Collection method: not provided. Allele origin: germline. Inheritance: Autosomal dominant inheritance. Affected: yes.

PreventionGenetics, part of Exact Sciences
Classification: Benign. Review status: criteria provided, single submitter. Criteria: ACMG Guidelines, 2015. Collection method: clinical testing. Allele origin: germline.

Clinical Genetics DNA and cytogenetics Diagnostics Lab, Erasmus MC, Erasmus Medical Center
Classification: Benign. Review status: no assertion criteria provided. Collection method: clinical testing. Allele origin: germline. Affected: yes. Study: VKGL Data-share Consensus. Not counted in ClinVar's aggregate classification.

Genome Diagnostics Laboratory, Amsterdam University Medical Center
Classification: Benign. Review status: no assertion criteria provided. Collection method: clinical testing. Allele origin: germline. Affected: yes. Study: VKGL Data-share Consensus. Not counted in ClinVar's aggregate classification.

Laboratory of Diagnostic Genome Analysis, Leiden University Medical Center (LUMC)
Classification: Likely benign. Review status: no assertion criteria provided. Collection method: clinical testing. Allele origin: germline. Affected: yes. Study: VKGL Data-share Consensus. Not counted in ClinVar's aggregate classification.